The following is an entry in ClinVar:

ClinVar aggregate classification (germline): Likely benign (1 of 4 stars; one submission).

Submission:

CeGaT Center for Human Genetics Tuebingen
Classification: Likely benign. Last evaluated: 2022-04-01. Review status: criteria provided, single submitter. Criteria: CeGaT Center For Human Genetics Tuebingen Variant Classification Criteria Version 2. Collection method: clinical testing. Allele origin: germline. Affected: yes. Observed: 1 variant allele.
Comment: SPTBN5: PM2:Supporting, BP4, BP7

NM_016642.4(SPTBN5):c.6690G>A (p.Leu2230=)

Gene: SPTBN5 (spectrin beta, non-erythrocytic 5; minus strand). Cytogenetic location: 15q15.1.
Variant type: single nucleotide variant.
Coding change: c.6690G>A on transcript NM_016642.4 (MANE Select); coding-DNA position 6690, G replaced by A.
Protein change: p.Leu2230=; no amino-acid change (leucine 2230 retained).
Molecular consequence: synonymous variant.
Genome position (GRCh38, 1-based): chr15:41,866,170, C>T on the plus strand (G>A on the coding strand, the complement: SPTBN5 is on the minus strand). VCF-style: chr15-41866170-C-T. GRCh37 (hg19) VCF-style: chr15-42158368-C-T.
Identifiers: ClinVar variation 2645217 (VCV002645217.24), dbSNP rs565022015, ClinGen allele CA489995161.